The following is an entry in ClinVar:

NM_001365999.1(SZT2):c.2107A>T (p.Thr703Ser)

Gene: SZT2 (SZT2 subunit of KICSTOR complex; plus strand). Cytogenetic location: 1p34.2.
Variant type: single nucleotide variant.
Coding change: c.2107A>T on transcript NM_001365999.1 (MANE Select); coding-DNA position 2107, A replaced by T.
Protein change: p.Thr703Ser; replaces threonine 703 with serine.
Molecular consequence: missense variant.
Genome position (GRCh38, 1-based): chr1:43,423,168, A>T. VCF-style: chr1-43423168-A-T. GRCh37 (hg19) VCF-style: chr1-43888839-A-T.
Other names: c.2107A>T, p.Thr703Ser (NM_015284.4); short protein forms T703S.
Identifiers: ClinVar variation 1310252 (VCV001310252.2), dbSNP rs763624457, ClinGen allele CA340011087.

ClinVar aggregate classification (germline): Uncertain significance (1 of 4 stars; one submission).

gnomAD v4.1: 2 of 1,597,360 alleles (0.00013%); highest among the groups gnomAD compares: Non-Finnish European, 0.00017%; no homozygotes.

Submission:

GeneDx
Classification: Uncertain significance. Last evaluated: 2019-11-14. Review status: criteria provided, single submitter. Criteria: GeneDx Variant Classification Process June 2021. Collection method: clinical testing. Allele origin: germline. Affected: yes.
Comment: Not observed in large population cohorts (Lek et al., 2016); In silico analysis, which includes protein predictors and evolutionary conservation, supports that this variant does not alter protein structure/function; Has not been previously published as pathogenic or benign to our knowledge